The following is an entry in ClinVar:

ClinVar aggregate classification (germline): Pathogenic/Likely pathogenic. Review status: criteria provided, multiple submitters, no conflicts (2 of 4 stars). 4 submissions from 4 submitters: Pathogenic (2); Likely pathogenic (1). 1 of the submissions does not count toward it. Last evaluated 2023-11-28.

Conditions:
Sialic acid storage disease, severe infantile type (ISSD). Also called: SIALURIA, INFANTILE FORM; Infantile Sialic Acid Storage Disease; Free sialic acid storage disease, infantile form; INFANTILE SIALIC ACID STORAGE DISORDER; N-ACETYLNEURAMINIC ACID STORAGE DISEASE; NANA STORAGE DISEASE. Identifiers: Orphanet 309324, Orphanet 834, MedGen C1096902, MONDO:0010027, OMIM 269920.
Salla disease (SD). Also called: Sialuria, Finnish type; N-acetylneuraminic acid (NANA) storage disease (NSD); Infantile sialic acid storage disorder (ISSD); Less Severe FSASD (Salla Disease). Identifiers: Orphanet 309334, Orphanet 834, MedGen C1096903, MONDO:0011449, OMIM 604369.

Submissions (4):

Baylor Genetics
Classification: Pathogenic for Salla disease. Last evaluated: 2023-11-28. Review status: criteria provided, single submitter. Criteria: ACMG Guidelines, 2015. Collection method: clinical testing. Allele origin: unknown.

Labcorp Genetics (formerly Invitae), Labcorp
Classification: Pathogenic for Salla disease. Last evaluated: 2023-01-07. Review status: criteria provided, single submitter. Criteria: Invitae Variant Classification Sherloc (09022015). Collection method: clinical testing. Allele origin: germline.
Comment: For these reasons, this variant has been classified as Pathogenic. ClinVar contains an entry for this variant (Variation ID: 1252083). This premature translational stop signal has been observed in individual(s) with skeletal dysplasia (PMID: 29620724). This variant is present in population databases (rs753141230, gnomAD 0.0009%). This sequence change creates a premature translational stop signal (p.Ser249Thrfs*21) in the SLC17A5 gene. It is expected to result in an absent or disrupted protein product. Loss-of-function variants in SLC17A5 are known to be pathogenic (PMID: 10581036, 10947946, 15172001).

Neuberg Centre For Genomic Medicine, NCGM
Classification: Likely pathogenic for Sialic acid storage disease, severe infantile type. Review status: criteria provided, single submitter. Criteria: ACMG Guidelines, 2015. Collection method: clinical testing. Allele origin: germline. Inheritance: Autosomal recessive inheritance. Affected: yes.
Comment: The observed frameshift c.744_747del(p.Ser249ThrfsTer21) variant in SLC17A5 gene has not been reported previously as a pathogenic variant nor as a benign variant, to our knowledge. The p.Ser249ThrfsTer21 variant is absent in gnomAD Exomes database. This variant has been submitted to the ClinVar database as Pathogenic, but no details are available for independent assessment. This variant causes a frameshift starting with codon Serine 249, changes this amino acid to Threonine residue, and creates a premature Stop codon at position 21 of the new reading frame, denoted p.Ser249ThrfsTer21. This variant is predicted to cause loss of normal protein function through protein truncation. Loss of function variants have been previously reported to be disease causing. Functional studies are required to prove pathogenicity of the variant. For these reasons, this variant has been classified as Likely Pathogenic.

Genomic Medicine Center of Excellence, King Faisal Specialist Hospital and Research Centre
Classification: Pathogenic for Sialic acid storage disease, severe infantile type. Last evaluated: 2021-04-29. Review status: no assertion criteria provided. Collection method: research. Allele origin: germline. Affected: yes. Not counted in ClinVar's aggregate classification.

Literature cited by the submitters: PubMed 29620724 (cited by Labcorp Genetics (formerly Invitae), Labcorp); PubMed 10581036 (cited by Labcorp Genetics (formerly Invitae), Labcorp); PubMed 10947946 (cited by Labcorp Genetics (formerly Invitae), Labcorp); PubMed 15172001 (cited by Labcorp Genetics (formerly Invitae), Labcorp).

NM_012434.5(SLC17A5):c.744_747del (p.Ser249fs)

Gene: SLC17A5 (solute carrier family 17 member 5; minus strand). Cytogenetic location: 6q13.
Variant type: Microsatellite.
Coding change: c.744_747del on transcript NM_012434.5 (MANE Select); coding-DNA positions 744 to 747, 4 bases deleted (TAGT; older notation c.744_747delTAGT).
Protein change: p.Ser249fs; shifts the reading frame from serine 249.
Molecular consequence: frameshift variant.
Genome position (GRCh38, 1-based): chr6:73,635,454-73,635,457, ACTA deleted on the plus strand (TAGT on the coding strand, the reverse complement: SLC17A5 is on the minus strand); deleting any 4 consecutive bases within chr6:73,635,454-73,635,463 gives the same sequence; the c. name uses the placement nearest the transcript's 3' end. VCF-style (leftmost placement, unchanged base first): chr6-73635453-CACTA-C. GRCh37 (hg19) VCF-style: chr6-74345176-CACTA-C.
Other names: c.513_516del, p.Ser172fs (NM_001382629.1); c.744_747del, p.Ser249fs (NM_001382630.1, NM_001382633.1, NM_001382634.1); c.765_768del, p.Ser256fs (NM_001382631.1); c.657_660del, p.Ser220fs (NM_001382632.1); c.741_744del, p.Ser248fs (NM_001382635.1); c.426_429del, p.Ser143fs (NM_001382636.1); short protein forms S143fs, S172fs, S220fs, S248fs, S249fs, S256fs.
Identifiers: ClinVar variation 1252083 (VCV001252083.5), dbSNP rs753141230, ClinGen allele CA3890443.
Genomic context (GRCh38, chr6:73,635,453, plus strand): 5'-ATGATGAAAGAATGTATTCCTTTTCATAATGGGAAATTCTCTTGTGTTTTTGTGGTGTGT[CACTA>C]ACTAACCAGATCCACAAAAGAAACCAAAATATTCCAATAGTACCTTAAAATAGAAAAATA-3'